The following is an entry in ClinVar:

ClinVar aggregate classification (germline): Likely benign (1 of 4 stars; one submission).

Allele frequency attached by ClinVar (database versions not stated): 1000 Genomes Project 0.00060; 1000 Genomes Project 30x 0.00141; ExAC 0.00157; gnomAD 0.00160; TOPMed 0.00168; ESP Exome Variant Server 0.00208; gnomAD exomes 0.00215.
gnomAD v4.1: 3,396 of 1,614,180 alleles (0.21%); highest among the groups gnomAD compares: Middle Eastern, 0.38%; 7 homozygotes.

Submission:

CeGaT Center for Human Genetics Tuebingen
Classification: Likely benign. Last evaluated: 2024-11-01. Review status: criteria provided, single submitter. Criteria: CeGaT Center For Human Genetics Tuebingen Variant Classification Criteria Version 2. Collection method: clinical testing. Allele origin: germline. Affected: yes. Observed: 2 variant alleles.
Comment: HTRA3: BP4, BP7

NM_053044.5(HTRA3):c.597C>T (p.Ala199=)

Gene: HTRA3 (HtrA serine peptidase 3; plus strand). Cytogenetic location: 4p16.1.
Variant type: single nucleotide variant.
Coding change: c.597C>T on transcript NM_053044.5 (MANE Select); coding-DNA position 597, C replaced by T.
Protein change: p.Ala199=; no amino-acid change (alanine 199 retained).
Molecular consequence: synonymous variant.
Genome position (GRCh38, 1-based): chr4:8,286,672, C>T. VCF-style: chr4-8286672-C-T. GRCh37 (hg19) VCF-style: chr4-8288399-C-T.
Other names: c.597C>T, p.Ala199= (NM_001297559.3).
Identifiers: ClinVar variation 3025119 (VCV003025119.22), dbSNP rs112517429, ClinGen allele CA2850478.